The following is an entry in ClinVar:

ClinVar aggregate classification (germline): Uncertain significance (1 of 4 stars; one submission).

Conditions:
Joubert syndrome. Also called: CEREBELLOPARENCHYMAL DISORDER IV; JOUBERT-BOLTSHAUSER SYNDROME; Familial aplasia of the vermis. Identifiers: Orphanet 475, MedGen C5979921, MONDO:0018772.
Meckel-Gruber syndrome. Also called: DYSENCEPHALIA SPLANCHNOCYSTICA; GRUBER SYNDROME; Dysencephalia splachnocystica. Identifiers: Orphanet 564, MedGen C0265215, MONDO:0018921.

Allele frequency attached by ClinVar (database versions not stated): gnomAD exomes below 0.00001.
gnomAD v4.1: 1 of 1,612,118 alleles (0.000062%); highest among the groups gnomAD compares: Non-Finnish European, 0.000085%; no homozygotes.

Submission:

Labcorp Genetics (formerly Invitae), Labcorp
Classification: Uncertain significance for Joubert syndrome; Meckel-Gruber syndrome. Last evaluated: 2022-07-28. Review status: criteria provided, single submitter. Criteria: Invitae Variant Classification Sherloc (09022015). Collection method: clinical testing. Allele origin: germline.
Comment: In summary, the available evidence is currently insufficient to determine the role of this variant in disease. Therefore, it has been classified as a Variant of Uncertain Significance. Advanced modeling of protein sequence and biophysical properties (such as structural, functional, and spatial information, amino acid conservation, physicochemical variation, residue mobility, and thermodynamic stability) performed at Invitae indicates that this missense variant is not expected to disrupt TMEM67 protein function. This variant has not been reported in the literature in individuals affected with TMEM67-related conditions. This variant is not present in population databases (gnomAD no frequency). This sequence change replaces threonine, which is neutral and polar, with alanine, which is neutral and non-polar, at codon 313 of the TMEM67 protein (p.Thr313Ala).

NM_153704.6(TMEM67):c.937A>G (p.Thr313Ala)

Gene: TMEM67 (transmembrane protein 67; plus strand). Cytogenetic location: 8q22.1.
Variant type: single nucleotide variant.
Coding change: c.937A>G on transcript NM_153704.6 (MANE Select); coding-DNA position 937, A replaced by G.
Protein change: p.Thr313Ala; replaces threonine 313 with alanine.
Molecular consequence: missense variant. On other transcripts: non-coding transcript variant (1).
Genome position (GRCh38, 1-based): chr8:93,780,941, A>G. VCF-style: chr8-93780941-A-G. GRCh37 (hg19) VCF-style: chr8-94793169-A-G.
Other names: c.694A>G, p.Thr232Ala (NM_001142301.1); short protein forms T232A, T313A.
Identifiers: ClinVar variation 2119606 (VCV002119606.4), dbSNP rs2536843314, ClinGen allele CA371688392.